The following is an entry in ClinVar:

ClinVar aggregate classification (germline): Uncertain significance (1 of 4 stars; one submission).

Conditions:
Alstrom syndrome (ALMS). Identifiers: Orphanet 64, MedGen C0268425, MONDO:0008763, OMIM 203800.

Submission:

Labcorp Genetics (formerly Invitae), Labcorp
Classification: Uncertain significance for Alstrom syndrome. Last evaluated: 2022-07-25. Review status: criteria provided, single submitter. Criteria: Invitae Variant Classification Sherloc (09022015). Collection method: clinical testing. Allele origin: germline.
Comment: This variant is not present in population databases (gnomAD no frequency). In summary, the available evidence is currently insufficient to determine the role of this variant in disease. Therefore, it has been classified as a Variant of Uncertain Significance. Experimental studies and prediction algorithms are not available or were not evaluated, and the functional significance of this variant is currently unknown. This variant has not been reported in the literature in individuals affected with ALMS1-related conditions. This sequence change replaces asparagine, which is neutral and polar, with serine, which is neutral and polar, at codon 2534 of the ALMS1 protein (p.Asn2534Ser).

NM_001378454.1(ALMS1):c.7598A>G (p.Asn2533Ser)

Gene: ALMS1 (ALMS1 centrosome and basal body associated protein; plus strand). Cytogenetic location: 2p13.1.
Variant type: single nucleotide variant.
Coding change: c.7598A>G on transcript NM_001378454.1 (MANE Select); coding-DNA position 7598, A replaced by G.
Protein change: p.Asn2533Ser; replaces asparagine 2533 with serine.
Molecular consequence: missense variant.
Genome position (GRCh38, 1-based): chr2:73,455,219, A>G. VCF-style: chr2-73455219-A-G. GRCh37 (hg19) VCF-style: chr2-73682346-A-G.
Other names: c.7601A>G, p.Asn2534Ser (NM_015120.4); short protein forms N2533S, N2534S.
Identifiers: ClinVar variation 1713808 (VCV001713808.5), dbSNP rs2466115681, ClinGen allele CA347293047.